The following is an entry in ClinVar:

NM_001077350.3(NPRL3):c.769C>G (p.Pro257Ala)

Genes: HBA-LCR (alpha-globin locus control region; plus strand), NPRL3 (NPR3 like, GATOR1 complex subunit; minus strand). Cytogenetic location: 16p13.3.
Variant type: single nucleotide variant.
Coding change: c.769C>G on transcript NM_001077350.3 (MANE Select); coding-DNA position 769, C replaced by G.
Protein change: p.Pro257Ala; replaces proline 257 with alanine.
Molecular consequence: missense variant.
Genome position (GRCh38, 1-based): chr16:98,300, G>C on the plus strand (C>G on the coding strand, the complement: NPRL3 is on the minus strand). VCF-style: chr16-98300-G-C. GRCh37 (hg19) VCF-style: chr16-148298-G-C.
Other names: c.232C>G, p.Pro78Ala (NM_001039476.3); c.535C>G, p.Pro179Ala (NM_001243247.2); c.694C>G, p.Pro232Ala (NM_001243248.2, NM_001243249.2); short protein forms P232A, P257A, P179A, P78A.
Identifiers: ClinVar variation 1046853 (VCV001046853.9), dbSNP rs746568841, ClinGen allele CA7769532.

ClinVar aggregate classification (germline): Uncertain significance. Review status: criteria provided, multiple submitters, no conflicts (2 of 4 stars). 2 submissions from 2 submitters: Uncertain significance (2). Last evaluated 2025-05-12.

Conditions:
Epilepsy, familial focal, with variable foci 3 (FFEVF3). Identifiers: MedGen C4310708, MONDO:0014925, OMIM 617118.
Epilepsy. Also called: Seizure disorder. Identifiers: MedGen C0014544, MeSH D004827, MONDO:0005027.

Allele frequency attached by ClinVar (database versions not stated): TOPMed 0.00001; gnomAD 0.00002; gnomAD exomes 0.00003 and 0.00002; ExAC 0.00002.
gnomAD v4.1: 45 of 1,611,990 alleles (0.0028%); highest among the groups gnomAD compares: Non-Finnish European, 0.0036%; no homozygotes.

Submissions (2):

Labcorp Genetics (formerly Invitae), Labcorp
Classification: Uncertain significance for Epilepsy, familial focal, with variable foci 3. Last evaluated: 2025-05-12. Review status: criteria provided, single submitter. Criteria: Invitae Variant Classification Sherloc (09022015). Collection method: clinical testing. Allele origin: germline.
Comment: This sequence change replaces proline, which is neutral and non-polar, with alanine, which is neutral and non-polar, at codon 257 of the NPRL3 protein (p.Pro257Ala). This variant is present in population databases (rs746568841, gnomAD 0.004%). This variant has not been reported in the literature in individuals affected with NPRL3-related conditions. ClinVar contains an entry for this variant (Variation ID: 1046853). Experimental studies and prediction algorithms are not available or were not evaluated, and the functional significance of this variant is currently unknown. In summary, the available evidence is currently insufficient to determine the role of this variant in disease. Therefore, it has been classified as a Variant of Uncertain Significance.

Cambridge Genomics Laboratory, East Genomic Laboratory Hub, NHS Genomic Medicine Service
Classification: Uncertain significance for Epilepsy. Last evaluated: 2020-03-30. Review status: criteria provided, single submitter. Criteria: ACGS Best Practice Guidelines for Variant Classification in Rare Disease 2020. Collection method: clinical testing. Allele origin: germline. Affected: yes. Observed: 1 variant allele.